The following is an entry in ClinVar:

NM_001040716.2(PC):c.633+2T>C

Gene: PC (pyruvate carboxylase; minus strand). Cytogenetic location: 11q13.2.
Variant type: single nucleotide variant.
Coding change: c.633+2T>C on transcript NM_001040716.2 (MANE Select); the canonical splice donor site of the intron after coding-DNA position 633, T replaced by C.
Molecular consequence: splice donor variant.
Genome position (GRCh38, 1-based): chr11:66,871,050, A>G on the plus strand (T>C on the coding strand, the complement: PC is on the minus strand). VCF-style: chr11-66871050-A-G. GRCh37 (hg19) VCF-style: chr11-66638521-A-G.
Other names: c.633+2T>C (NM_000920.4, NM_022172.3).
Identifiers: ClinVar variation 551488 (VCV000551488.13), dbSNP rs763433647, ClinGen allele CA6132175.

ClinVar aggregate classification (germline): Likely pathogenic. Review status: criteria provided, multiple submitters, no conflicts (2 of 4 stars). 4 submissions from 4 submitters: Likely pathogenic (3). 1 of the submissions does not count toward it. Last evaluated 2024-02-08.

Conditions:
Pyruvate carboxylase deficiency. Also called: ATAXIA WITH LACTIC ACIDOSIS II; LEIGH NECROTIZING ENCEPHALOPATHY DUE TO PYRUVATE CARBOXYLASE DEFICIENCY; LEIGH SYNDROME DUE TO PYRUVATE CARBOXYLASE DEFICIENCY; PC DEFICIENCY; Pyruvate Carboxylase Deficiency Disease. Identifiers: Orphanet 3008, MedGen C0034341, MONDO:0009949, OMIM 266150.

Allele frequency attached by ClinVar (database versions not stated): gnomAD 0.00001; gnomAD exomes 0.00001; ExAC 0.00002; TOPMed 0.00004.
gnomAD v4.1: 1 of 1,613,168 alleles (0.000062%); highest among the groups gnomAD compares: African/African-American, 0.0013%; no homozygotes.

Submissions (4):

Baylor Genetics
Classification: Likely pathogenic for Pyruvate carboxylase deficiency. Last evaluated: 2024-02-08. Review status: criteria provided, single submitter. Criteria: ACMG Guidelines, 2015. Collection method: clinical testing. Allele origin: unknown.

Labcorp Genetics (formerly Invitae), Labcorp
Classification: Likely pathogenic for Pyruvate carboxylase deficiency. Last evaluated: 2023-07-14. Review status: criteria provided, single submitter. Criteria: Invitae Variant Classification Sherloc (09022015). Collection method: clinical testing. Allele origin: germline.
Comment: In summary, the currently available evidence indicates that the variant is pathogenic, but additional data are needed to prove that conclusively. Therefore, this variant has been classified as Likely Pathogenic. ClinVar contains an entry for this variant (Variation ID: 551488). This variant has not been reported in the literature in individuals affected with PC-related conditions. The frequency data for this variant in the population databases is considered unreliable, as metrics indicate poor data quality at this position in the gnomAD database. This sequence change affects a donor splice site in intron 6 of the PC gene. It is expected to disrupt RNA splicing. Variants that disrupt the donor or acceptor splice site typically lead to a loss of protein function (PMID: 16199547), and loss-of-function variants in PC are known to be pathogenic (PMID: 12112657, 19306334).

Fulgent Genetics
Classification: Likely pathogenic for Pyruvate carboxylase deficiency. Last evaluated: 2018-10-31. Review status: criteria provided, single submitter. Criteria: ACMG Guidelines, 2015. Collection method: clinical testing. Allele origin: unknown.

Counsyl
Classification: Likely pathogenic for Pyruvate carboxylase deficiency. Last evaluated: 2018-05-15. Review status: no assertion criteria provided. Collection method: clinical testing. Allele origin: unknown. Not counted in ClinVar's aggregate classification.

Literature cited by the submitters: PubMed 16199547 (cited by Labcorp Genetics (formerly Invitae), Labcorp); PubMed 12112657 (cited by Labcorp Genetics (formerly Invitae), Labcorp); PubMed 19306334 (cited by Labcorp Genetics (formerly Invitae), Labcorp).